The following is an entry in ClinVar:

ClinVar aggregate classification (germline): Uncertain significance (1 of 4 stars; one submission).

Conditions:
Hereditary cancer-predisposing syndrome. Also called: Hereditary neoplastic syndrome; Neoplastic Syndromes, Hereditary; Tumor predisposition; Hereditary Cancer Syndrome. Identifiers: Orphanet 140162, MedGen C0027672, MeSH D009386, MONDO:0015356.

Submission:

Ambry Genetics
Classification: Uncertain significance for Hereditary cancer-predisposing syndrome. Last evaluated: 2024-12-25. Review status: criteria provided, single submitter. Criteria: Ambry Variant Classification Scheme 2023. Collection method: clinical testing. Allele origin: germline.
Comment: The p.K182N variant (also known as c.546G>C), located in coding exon 3 of the XRCC2 gene, results from a G to C substitution at nucleotide position 546. The lysine at codon 182 is replaced by asparagine, an amino acid with similar properties. This amino acid position is conserved. In addition, this alteration is predicted to be tolerated by in silico analysis. Based on the available evidence, the clinical significance of this variant remains unclear.

NM_005431.2(XRCC2):c.546G>C (p.Lys182Asn)

Gene: XRCC2 (X-ray repair cross complementing 2; minus strand). Cytogenetic location: 7q36.1.
Variant type: single nucleotide variant.
Coding change: c.546G>C on transcript NM_005431.2 (MANE Select); coding-DNA position 546, G replaced by C.
Protein change: p.Lys182Asn; replaces lysine 182 with asparagine.
Molecular consequence: missense variant.
Genome position (GRCh38, 1-based): chr7:152,648,939, C>G on the plus strand (G>C on the coding strand, the complement: XRCC2 is on the minus strand). VCF-style: chr7-152648939-C-G. GRCh37 (hg19) VCF-style: chr7-152346024-C-G.
Other names: short protein forms K182N.
Identifiers: ClinVar variation 3817835 (VCV003817835.1).